The following is an entry in ClinVar:

ClinVar aggregate classification (germline): Uncertain significance (1 of 4 stars; one submission).

Conditions:
Cardiac anomalies - developmental delay - facial dysmorphism syndrome (MRFACD). Also called: Impaired intellectual development and distinctive facial features with or without cardiac defects; MED13L Syndrome. Identifiers: Orphanet 369891, MedGen C5192431, MONDO:0014773, OMIM 616789.

Submission:

Neuberg Centre For Genomic Medicine, NCGM
Classification: Uncertain significance for Cardiac anomalies - developmental delay - facial dysmorphism syndrome. Review status: criteria provided, single submitter. Criteria: ACMG Guidelines, 2015. Collection method: clinical testing. Allele origin: germline. Affected: yes.
Comment: The missense variant p.P705R in MED13L (NM_015335.5) has not been reported previously as a pathogenic variant nor as a benign variant, to our knowledge. The p.P705R variant is novel (not in any individuals) in gnomAD Exomes and is novel (not in any individuals) in 1000 Genomes. The p.P705R missense variant is predicted to be damaging by both SIFT and PolyPhen2. The nucleotide c.2114 in MED13L is predicted conserved by GERP++ and PhyloP across 100 vertebrates. For these reasons, this variant has been classified as Uncertain Significance.

NM_015335.5(MED13L):c.2114C>G (p.Pro705Arg)

Gene: MED13L (mediator complex subunit 13L; minus strand). Cytogenetic location: 12q24.21.
Variant type: single nucleotide variant.
Coding change: c.2114C>G on transcript NM_015335.5 (MANE Select); coding-DNA position 2114, C replaced by G.
Protein change: p.Pro705Arg; replaces proline 705 with arginine.
Molecular consequence: missense variant.
Genome position (GRCh38, 1-based): chr12:116,007,535, G>C on the plus strand (C>G on the coding strand, the complement: MED13L is on the minus strand). VCF-style: chr12-116007535-G-C. GRCh37 (hg19) VCF-style: chr12-116445340-G-C.
Other names: short protein forms P705R.
Identifiers: ClinVar variation 1338979 (VCV001338979.2), dbSNP rs2137378723, ClinGen allele CA386894496.
Genomic context (GRCh38, chr12:116,007,535, plus strand): 5'-TATTTTATGTCACCATCTTCAAAGGTATATGGGTCATTCACTTCTCCCAAACTGTCTCCA[G>C]GTTGTTGTGATAGAGGCAATGGGTCAAGGAAGTGGAGTGGCTGCAACTGGGGCTGTTTGT-3'
Protein context (NP_056150.1, residues 695-715): FLDPLPLSQQ[Pro705Arg]GDSLGEVNDP